The following is an entry in ClinVar:

ClinVar aggregate classification (germline): Uncertain significance (1 of 4 stars; one submission).

gnomAD v4.1: 28 of 1,610,982 alleles (0.0017%); highest among the groups gnomAD compares: East Asian, 0.009%; no homozygotes.

Submission:

GeneDx
Classification: Uncertain significance. Last evaluated: 2024-07-22. Review status: criteria provided, single submitter. Criteria: GeneDx Variant Classification Process June 2021. Collection method: clinical testing. Allele origin: germline. Affected: yes.
Comment: In silico analysis supports that this missense variant has a deleterious effect on protein structure/function; Has not been previously published as pathogenic or benign to our knowledge

NM_016138.5(COQ7):c.629C>T (p.Ala210Val)

Gene: COQ7 (coenzyme Q7, hydroxylase; plus strand). Cytogenetic location: 16p12.3.
Variant type: single nucleotide variant.
Coding change: c.629C>T on transcript NM_016138.5 (MANE Select); coding-DNA position 629, C replaced by T.
Protein change: p.Ala210Val; replaces alanine 210 with valine.
Molecular consequence: missense variant. On other transcripts: non-coding transcript variant (3).
Genome position (GRCh38, 1-based): chr16:19,078,133, C>T. VCF-style: chr16-19078133-C-T. GRCh37 (hg19) VCF-style: chr16-19089455-C-T.
Other names: c.515C>T, p.Ala172Val (NM_001190983.2, NM_001370492.1, NM_001370493.1 and 1 more transcripts); c.587C>T, p.Ala196Val (NM_001370489.1); c.560C>T, p.Ala187Val (NM_001370490.1); c.518C>T, p.Ala173Val (NM_001370491.1); c.446C>T, p.Ala149Val (NM_001370495.1); short protein forms A149V, A172V, A173V, A187V, A196V, A210V.
Identifiers: ClinVar variation 3600826 (VCV003600826.1).
Genomic context (GRCh38, chr16:19,078,133, plus strand): 5'-TTTAACAGGCTCCAGCCTATGCCGTCCTGAAGAGCATTATCCAGGCCGGATGCAGAGTGG[C>T]GATATATTTATCAGAAAGATTATAAAGTGTGTCCAGTTTTGCCTGTCTATAAAAGATGAT-3'
Protein context (NP_057222.2, residues 200-217): KSIIQAGCRV[Ala210Val]IYLSERL